The following is an entry in ClinVar:

ClinVar aggregate classification (germline): Conflicting classifications of pathogenicity. Review status: criteria provided, conflicting classifications (1 of 4 stars). 4 submissions from 4 submitters: Pathogenic (1); Likely pathogenic (1); Uncertain significance (2). Last evaluated 2024-11-04.

Conditions:
Congenital heart defects, dysmorphic facial features, and intellectual developmental disorder (CHDFIDD). Identifiers: Orphanet 646278, MedGen C4479246, MONDO:0044302, OMIM 617360.

Allele frequency attached by ClinVar (database versions not stated): gnomAD exomes below 0.00001.
gnomAD v4.1: 3 of 1,609,600 alleles (0.00019%); highest among the groups gnomAD compares: Non-Finnish European, 0.000085%; no homozygotes.

Submissions (4):

Labcorp Genetics (formerly Invitae), Labcorp
Classification: Pathogenic. Last evaluated: 2024-11-04. Review status: criteria provided, single submitter. Criteria: Invitae Variant Classification Sherloc (09022015). Collection method: clinical testing. Allele origin: germline.
Comment: This sequence change creates a premature translational stop signal (p.Arg751*) in the CDK13 gene. It is expected to result in an absent or disrupted protein product. Loss-of-function variants in CDK13 are known to be pathogenic (PMID: 27479907, 29021403, 29393965). This variant is present in population databases (no rsID available, gnomAD 0.01%). This variant has not been reported in the literature in individuals affected with CDK13-related conditions. ClinVar contains an entry for this variant (Variation ID: 1028145). For these reasons, this variant has been classified as Pathogenic.

GeneDx
Classification: Uncertain significance. Last evaluated: 2023-12-22. Review status: criteria provided, single submitter. Criteria: GeneDx Variant Classification Process June 2021. Collection method: clinical testing. Allele origin: germline. Affected: yes.
Comment: Not observed at significant frequency in large population cohorts (gnomAD); Nonsense variant predicted to result in protein truncation or nonsense mediated decay in a gene or region of a gene for which loss of function is not a well-established mechanism of disease; Has not been previously published as pathogenic or benign to our knowledge

ARUP Laboratories, Molecular Genetics and Genomics, ARUP Laboratories
Classification: Uncertain significance for Congenital heart defects, dysmorphic facial features, and intellectual developmental disorder. Last evaluated: 2023-10-02. Review status: criteria provided, single submitter. Criteria: ARUP Molecular Germline Variant Investigation Process 2024. Collection method: clinical testing. Allele origin: germline.

Baylor Genetics
Classification: Likely pathogenic for Congenital heart defects, dysmorphic facial features, and intellectual developmental disorder. Last evaluated: 2019-11-27. Review status: criteria provided, single submitter. Criteria: ACMG Guidelines, 2015. Collection method: clinical testing. Allele origin: unknown. Affected: yes.
Comment: This variant was determined to be likely pathogenic according to ACMG Guidelines, 2015 [PMID:25741868].

Literature cited by the submitters: PubMed 27479907 (cited by Labcorp Genetics (formerly Invitae), Labcorp); PubMed 29021403 (cited by Labcorp Genetics (formerly Invitae), Labcorp); PubMed 29393965 (cited by Labcorp Genetics (formerly Invitae), Labcorp).

NM_003718.5(CDK13):c.2251C>T (p.Arg751Ter)

Gene: CDK13 (cyclin dependent kinase 13; plus strand). Cytogenetic location: 7p14.1.
Variant type: single nucleotide variant.
Coding change: c.2251C>T on transcript NM_003718.5 (MANE Select); coding-DNA position 2251, C replaced by T.
Protein change: p.Arg751Ter; replaces arginine 751 with a stop codon.
Molecular consequence: nonsense.
Genome position (GRCh38, 1-based): chr7:40,001,929, C>T. VCF-style: chr7-40001929-C-T. GRCh37 (hg19) VCF-style: chr7-40041528-C-T.
Other names: c.2251C>T, p.Arg751Ter (NM_031267.4); short protein forms R751*.
Identifiers: ClinVar variation 1028145 (VCV001028145.5), dbSNP rs1295790880, ClinGen allele CA367289590.